The following is an entry in ClinVar:

ClinVar aggregate classification (germline): Likely pathogenic (1 of 4 stars; one submission).

Conditions:
Deficiency of galactokinase. Also called: GALACTOSEMIA II; Galactokinase deficiency with cataracts. Identifiers: Orphanet 352, Orphanet 79237, MedGen C0268155, MONDO:0009255, OMIM 230200.

Submission:

Myriad Genetics, Inc.
Classification: Likely pathogenic for Deficiency of galactokinase. Last evaluated: 2021-11-28. Review status: criteria provided, single submitter. Criteria: Myriad Women's Health Autosomal Recessive and X-Linked Classification Criteria (2021). Collection method: clinical testing. Allele origin: unknown.
Comment: NM_000154.1(GALK1):c.403delC(L135Wfs*29) is expected to be pathogenic in the context of galactokinase deficiency. This variant is predicted to lead to an abnormal or absent protein product due to the creation of a premature termination codon in GALK1, a gene where loss-of-function variants are known to be pathogenic. Please note: this variant was assessed in the context of healthy population screening.

NM_000154.2(GALK1):c.403del (p.Leu135fs)

Gene: GALK1 (galactokinase 1; minus strand). Cytogenetic location: 17q25.1.
Variant type: Deletion.
Coding change: c.403del on transcript NM_000154.2 (MANE Select); coding-DNA position 403, one base deleted (C; older notation c.403delC).
Protein change: p.Leu135fs; shifts the reading frame from leucine 135.
Molecular consequence: frameshift variant.
Genome position (GRCh38, 1-based): chr17:75,763,392, G deleted on the plus strand (C on the coding strand, the reverse complement: GALK1 is on the minus strand); the first of 4 consecutive G bases (chr17:75,763,392-75,763,395); deleting any one gives the same sequence. VCF-style (leftmost placement, unchanged base first): chr17-75763391-AG-A. GRCh37 (hg19) VCF-style: chr17-73759472-AG-A.
Other names: c.403del, p.Leu135fs (NM_001381985.1); short protein forms L135fs.
Identifiers: ClinVar variation 1725020 (VCV001725020.2), dbSNP rs2545903771, ClinGen allele CA2580095188.
Genomic context (GRCh38, chr17:75,763,391, plus strand): 5'-TGCTGGAGGAAGGTGTACGTGGCCACTTCCAAGGATGCTGAGCTGGACAGGCCACCCCCC[AG>A]GGGCACTGAGCTGACCACCACTGCACTGAAGCCAGGGAGGGGGGCAGCTGCAGGGGAAAG-3'